The following is an entry in ClinVar:

ClinVar aggregate classification (germline): Likely pathogenic (1 of 4 stars; one submission).

Conditions:
Recessive dystrophic epidermolysis bullosa (RDEB). Also called: epidermolysis bullosa dystrophica, autosomal recessive; Recessive DEB (RDEB); DYSTROPHIC EPIDERMOLYSIS BULLOSA, AUTOSOMAL RECESSIVE; EPIDERMOLYSIS BULLOSA DYSTROPHICA, HALLOPEAU-SIEMENS TYPE; severe generalized recessive dystrophic epidermolysis bullosa; Hallopeau-Siemens Disease. Identifiers: Orphanet 79408, Orphanet 79409, MedGen C0079474, MONDO:0009179, OMIM 226600.

Allele frequency attached by ClinVar (database versions not stated): gnomAD exomes below 0.00001.
gnomAD v4.1: 2 of 1,600,700 alleles (0.00012%); highest among the groups gnomAD compares: African/African-American, 0.0013%; no homozygotes.

Submission:

Neuberg Centre For Genomic Medicine, NCGM
Classification: Likely pathogenic for Recessive dystrophic epidermolysis bullosa. Review status: criteria provided, single submitter. Criteria: ACMG Guidelines, 2015. Collection method: clinical testing. Allele origin: germline. Inheritance: Autosomal recessive inheritance. Affected: yes.
Comment: The splice site c.8226+1G>C in the COL7A1 gene has not been reported as pathogenic or likely benign, as per our knowledge. The variant is novel (not in any individuals) in gnomAD Exomes and 1000 Genomes. The nucleotide change in COL7A1 is predicted as conserved by GERP++ and PhyloP across 100 vertebrates. For these reasons, this variant has been classified as Likely Pathogenic

NM_000094.4(COL7A1):c.8226+1G>C

Gene: COL7A1 (collagen type VII alpha 1 chain; minus strand). Cytogenetic location: 3p21.31.
Variant type: single nucleotide variant.
Coding change: c.8226+1G>C on transcript NM_000094.4 (MANE Select); the canonical splice donor site of the intron after coding-DNA position 8226, G replaced by C.
Molecular consequence: splice donor variant.
Genome position (GRCh38, 1-based): chr3:48,566,906, C>G on the plus strand (G>C on the coding strand, the complement: COL7A1 is on the minus strand). VCF-style: chr3-48566906-C-G. GRCh37 (hg19) VCF-style: chr3-48604339-C-G.
Identifiers: ClinVar variation 2585230 (VCV002585230.1), dbSNP rs2530817264, ClinGen allele CA352639223.
Genomic context (GRCh38, chr3:48,566,906, plus strand): 5'-TTATGAGGTTGGAAGGGTAGGGAAGGTTCAGGGATCAGGAGTCAGAGCTGGGGCCCCTTA[C>G]CTTCTGGCCCTGAAGTCCTTCGGGGCCTCTGGGACCAACACTGCCAGGTGGCCCTGGGGG-3'